The following is an entry in ClinVar:

NM_001853.4(COL9A3):c.956G>T (p.Gly319Val)

Gene: COL9A3 (collagen type IX alpha 3 chain; plus strand). Cytogenetic location: 20q13.33.
Variant type: single nucleotide variant.
Coding change: c.956G>T on transcript NM_001853.4 (MANE Select); coding-DNA position 956, G replaced by T.
Protein change: p.Gly319Val; replaces glycine 319 with valine.
Molecular consequence: missense variant.
Genome position (GRCh38, 1-based): chr20:62,828,924, G>T. VCF-style: chr20-62828924-G-T. GRCh37 (hg19) VCF-style: chr20-61460276-G-T.
Other names: short protein forms G319V.
Identifiers: ClinVar variation 1523082 (VCV001523082.6), dbSNP rs867973960, ClinGen allele CA409593138.
Genomic context (GRCh38, chr20:62,828,924, plus strand): 5'-GAGTTCGGCCTCCCGAGGCCTCAGCCTCCCCTTCCGCACCCCAATCTCTGTCCTCACAGG[G>T]AGAGGCTGGTCGCAACGGTGCTCCGGGAGAGAAGGGCCCCAACGGGCTGCCGGTGAGTGC-3'
Protein context (NP_001844.3, residues 309-329): NGVPGLDGQK[Gly319Val]EAGRNGAPGE

ClinVar aggregate classification (germline): Uncertain significance (1 of 4 stars; one submission).

Submission:

Labcorp Genetics (formerly Invitae), Labcorp
Classification: Uncertain significance. Last evaluated: 2023-07-17. Review status: criteria provided, single submitter. Criteria: Invitae Variant Classification Sherloc (09022015). Collection method: clinical testing. Allele origin: germline.
Comment: This variant has not been reported in the literature in individuals affected with COL9A3-related conditions. This variant is not present in population databases (gnomAD no frequency). This sequence change replaces glycine, which is neutral and non-polar, with valine, which is neutral and non-polar, at codon 319 of the COL9A3 protein (p.Gly319Val). ClinVar contains an entry for this variant (Variation ID: 1523082). In summary, the available evidence is currently insufficient to determine the role of this variant in disease. Therefore, it has been classified as a Variant of Uncertain Significance. Algorithms developed to predict the effect of sequence changes on RNA splicing suggest that this variant may create or strengthen a splice site. An algorithm developed to predict the effect of missense changes on protein structure and function (PolyPhen-2) suggests that this variant is likely to be disruptive.